The following is an entry in ClinVar:

ClinVar aggregate classification (germline): Benign. Review status: criteria provided, multiple submitters, no conflicts (2 of 4 stars). 2 submissions from 2 submitters: Benign (2). Last evaluated 2018-06-16.

Allele frequency attached by ClinVar (database versions not stated): gnomAD exomes 0.00377; gnomAD 0.03469 and 0.03737; 1000 Genomes Project 0.03574; 1000 Genomes Project 30x 0.03951; TOPMed 0.04017.
gnomAD v4.1: 6,450 of 439,498 alleles (1.5%); highest among the groups gnomAD compares: African/African-American, 12%; 385 homozygotes.

Submissions (2):

GeneDx
Classification: Benign. Last evaluated: 2018-06-16. Review status: criteria provided, single submitter. Criteria: GeneDx Variant Classification (06012015). Collection method: clinical testing. Allele origin: germline. Affected: yes.
Comment: This variant is considered likely benign or benign based on one or more of the following criteria: it is a conservative change, it occurs at a poorly conserved position in the protein, it is predicted to be benign by multiple in silico algorithms, and/or has population frequency not consistent with disease.

Breakthrough Genomics
Classification: Benign. Review status: criteria provided, single submitter. Criteria: ACMG Guidelines, 2015. Collection method: not provided. Allele origin: germline. Inheritance: Autosomal recessive inheritance. Affected: yes.

NM_001384732.1(CPLANE1):c.82-179A>G

Gene: CPLANE1 (ciliogenesis and planar polarity effector complex subunit 1; minus strand). Cytogenetic location: 5p13.2.
Variant type: single nucleotide variant.
Coding change: c.82-179A>G on transcript NM_001384732.1 (MANE Select); 179 bases into the intron before coding-DNA position 82, A replaced by G.
Molecular consequence: intron variant.
Genome position (GRCh38, 1-based): chr5:37,246,024, T>C on the plus strand (A>G on the coding strand, the complement: CPLANE1 is on the minus strand). VCF-style: chr5-37246024-T-C. GRCh37 (hg19) VCF-style: chr5-37246126-T-C.
Other names: c.82-179A>G (NM_023073.4).
Identifiers: ClinVar variation 678155 (VCV000678155.2), dbSNP rs73750960, ClinGen allele CA117069504.